The following is an entry in ClinVar:

ClinVar aggregate classification (germline): Uncertain significance (1 of 4 stars; one submission).

gnomAD v4.1: 6 of 1,613,362 alleles (0.00037%); highest among the groups gnomAD compares: Admixed American, 0.01%; no homozygotes.

Submission:

Labcorp Genetics (formerly Invitae), Labcorp
Classification: Uncertain significance. Last evaluated: 2024-01-02. Review status: criteria provided, single submitter. Criteria: Invitae Variant Classification Sherloc (09022015). Collection method: clinical testing. Allele origin: germline.
Comment: This sequence change replaces glutamic acid, which is acidic and polar, with aspartic acid, which is acidic and polar, at codon 550 of the AFG3L2 protein (p.Glu550Asp). This variant is present in population databases (no rsID available, gnomAD 0.006%). This variant has not been reported in the literature in individuals affected with AFG3L2-related conditions. ClinVar contains an entry for this variant (Variation ID: 1911688). Advanced modeling of protein sequence and biophysical properties (such as structural, functional, and spatial information, amino acid conservation, physicochemical variation, residue mobility, and thermodynamic stability) has been performed at Invitae for this missense variant, however the output from this modeling did not meet the statistical confidence thresholds required to predict the impact of this variant on AFG3L2 protein function. In summary, the available evidence is currently insufficient to determine the role of this variant in disease. Therefore, it has been classified as a Variant of Uncertain Significance.

NM_006796.3(AFG3L2):c.1650A>T (p.Glu550Asp)

Gene: AFG3L2 (AFG3 like matrix AAA peptidase subunit 2; minus strand). Cytogenetic location: 18p11.21.
Variant type: single nucleotide variant.
Coding change: c.1650A>T on transcript NM_006796.3 (MANE Select); coding-DNA position 1650, A replaced by T.
Protein change: p.Glu550Asp; replaces glutamic acid 550 with aspartic acid.
Molecular consequence: missense variant.
Genome position (GRCh38, 1-based): chr18:12,348,286, T>A on the plus strand (A>T on the coding strand, the complement: AFG3L2 is on the minus strand). VCF-style: chr18-12348286-T-A. GRCh37 (hg19) VCF-style: chr18-12348285-T-A.
Other names: short protein forms E550D.
Identifiers: ClinVar variation 1911688 (VCV001911688.5), dbSNP rs11553521, ClinGen allele CA401951177.